The following is an entry in ClinVar:

NM_001370785.2(LRRC7):c.1176dup (p.Asn393fs)

Gene: LRRC7 (leucine rich repeat containing 7; plus strand). Cytogenetic location: 1p31.1.
Variant type: Duplication.
Coding change: c.1176dup on transcript NM_001370785.2 (MANE Select); coding-DNA position 1176, one base duplicated (C; older notation c.1176dupC).
Protein change: p.Asn393fs; shifts the reading frame from asparagine 393.
Molecular consequence: frameshift variant.
Genome position (GRCh38, 1-based): chr1:70,013,015, C duplicated; the last of 2 consecutive C bases (chr1:70,013,014-70,013,015); duplicating either gives the same sequence. VCF-style (leftmost placement, unchanged base first): chr1-70013013-T-TC. GRCh37 (hg19) VCF-style: chr1-70478696-T-TC.
Other names: NM_020794.2:c.1062dup; c.1077dup, p.Asn360fs (NM_001330635.3, NM_001366839.3, NM_001366841.1); c.1179dup, p.Asn394fs (NM_001350216.3); c.1176dup, p.Asn393fs (NM_001366838.3); short protein forms N360fs, N393fs, N394fs.
Identifiers: ClinVar variation 3370627 (VCV003370627.1).

ClinVar aggregate classification (germline): Uncertain significance (1 of 4 stars; one submission).

Submission:

GeneDx
Classification: Uncertain significance. Last evaluated: 2024-03-12. Review status: criteria provided, single submitter. Criteria: GeneDx Variant Classification Process June 2021. Collection method: clinical testing. Allele origin: germline. Affected: yes.
Comment: Not observed at significant frequency in large population cohorts (gnomAD); Frameshift variant predicted to result in protein truncation or nonsense mediated decay in a gene or region of a gene for which loss of function is not a well-established mechanism of disease; Has not been previously published as pathogenic or benign to our knowledge; Variants in candidate genes are classified as variants of uncertain significance in accordance with ACMG guidelines (PMID: 25741868)